The following is an entry in ClinVar:

ClinVar aggregate classification (germline): Uncertain significance (1 of 4 stars; one submission).

Conditions:
Jeune thoracic dystrophy. Also called: Short-rib thoracic dysplasia; Jeune syndrome; Infantile thoracic dystrophy; Thoracic pelvic phalangeal dystrophy; Jeune's syndrome; Chondroectodermal dysplasia-like syndrome. Identifiers: Orphanet 474, MedGen C0265275, MONDO:0018770.

Allele frequency attached by ClinVar (database versions not stated): gnomAD exomes below 0.00001; TOPMed below 0.00001.
gnomAD v4.1: 1 of 1,595,876 alleles (0.000063%); highest among the groups gnomAD compares: Admixed American, 0.0017%; no homozygotes.

Submission:

Labcorp Genetics (formerly Invitae), Labcorp
Classification: Uncertain significance for Jeune thoracic dystrophy. Last evaluated: 2023-07-17. Review status: criteria provided, single submitter. Criteria: Invitae Variant Classification Sherloc (09022015). Collection method: clinical testing. Allele origin: germline.
Comment: This sequence change replaces phenylalanine, which is neutral and non-polar, with leucine, which is neutral and non-polar, at codon 496 of the IFT80 protein (p.Phe496Leu). This variant is present in population databases (no rsID available, gnomAD 0.003%). In summary, the available evidence is currently insufficient to determine the role of this variant in disease. Therefore, it has been classified as a Variant of Uncertain Significance. Advanced modeling of protein sequence and biophysical properties (such as structural, functional, and spatial information, amino acid conservation, physicochemical variation, residue mobility, and thermodynamic stability) performed at Invitae indicates that this missense variant is not expected to disrupt IFT80 protein function. ClinVar contains an entry for this variant (Variation ID: 2038756). This variant has not been reported in the literature in individuals affected with IFT80-related conditions.

NM_020800.3(IFT80):c.1486T>C (p.Phe496Leu)

Genes: IFT80 (intraflagellar transport 80; minus strand), TRIM59-IFT80 (TRIM59-IFT80 readthrough (NMD candidate); minus strand). Cytogenetic location: 3q25.33.
Variant type: single nucleotide variant.
Coding change: c.1486T>C on transcript NM_020800.3 (MANE Select); coding-DNA position 1486, T replaced by C.
Protein change: p.Phe496Leu; replaces phenylalanine 496 with leucine.
Molecular consequence: missense variant. On other transcripts: non-coding transcript variant (3).
Genome position (GRCh38, 1-based): chr3:160,282,508, A>G on the plus strand (T>C on the coding strand, the complement: IFT80 is on the minus strand). VCF-style: chr3-160282508-A-G. GRCh37 (hg19) VCF-style: chr3-160000296-A-G.
Other names: c.1075T>C, p.Phe359Leu (NM_001190241.2, NM_001190242.2); short protein forms F496L, F359L.
Identifiers: ClinVar variation 2038756 (VCV002038756.4), dbSNP rs1283885083, ClinGen allele CA355192060.